The following is an entry in ClinVar:

ClinVar aggregate classification (germline): Pathogenic. Review status: criteria provided, multiple submitters, no conflicts (2 of 4 stars). 4 submissions from 4 submitters: Pathogenic (4). Last evaluated 2025-12-16.

Conditions:
Ataxia-telangiectasia syndrome (AT). Also called: Ataxia-telangiectasia, complementation group D; Ataxia telangiectasia (A-T); Cerebello-oculocutaneous telangiectasia; Immunodeficiency with ataxia telangiectasia; ATAXIA-TELANGIECTASIA, COMPLEMENTATION GROUP A; ATAXIA-TELANGIECTASIA, FRESNO VARIANT. Identifiers: Orphanet 100, MedGen C0004135, MONDO:0008840, OMIM 208900.
Hereditary cancer-predisposing syndrome. Also called: Hereditary neoplastic syndrome; Neoplastic Syndromes, Hereditary; Hereditary Cancer Syndrome; Tumor predisposition. Identifiers: Orphanet 140162, MedGen C0027672, MeSH D009386, MONDO:0015356.
Familial cancer of breast. Also called: BREAST CANCER, FAMILIAL; hereditary breast carcinoma; Hereditary breast cancer. Identifiers: Orphanet 227535, MedGen C0346153, MONDO:0016419, OMIM 114480. Disease mechanism: loss of function.

Submissions (4):

Labcorp Genetics (formerly Invitae), Labcorp
Classification: Pathogenic for Ataxia-telangiectasia syndrome. Last evaluated: 2025-12-16. Review status: criteria provided, single submitter. Criteria: Invitae Variant Classification Sherloc (09022015). Collection method: clinical testing. Allele origin: germline.
Comment: This sequence change creates a premature translational stop signal (p.Val128*) in the ATM gene. It is expected to result in an absent or disrupted protein product. Loss-of-function variants in ATM are known to be pathogenic (PMID: 23807571, 25614872). This variant is not present in population databases (gnomAD no frequency). This premature translational stop signal has been observed in individual(s) with clinical features of ataxia-telangiectasia (PMID: 15843990, 16266405). ClinVar contains an entry for this variant (Variation ID: 1395091). For these reasons, this variant has been classified as Pathogenic.

Myriad Genetics, Inc.
Classification: Pathogenic for Familial cancer of breast. Last evaluated: 2024-01-09. Review status: criteria provided, single submitter. Criteria: Myriad Autosomal Dominant, Autosomal Recessive and X-Linked Classification Criteria (2023). Collection method: clinical testing. Allele origin: unknown.
Comment: This variant is considered pathogenic. This variant creates a termination codon and is predicted to result in premature protein truncation.

Baylor Genetics
Classification: Pathogenic for Familial cancer of breast. Last evaluated: 2023-08-02. Review status: criteria provided, single submitter. Criteria: ACMG Guidelines, 2015. Collection method: clinical testing. Allele origin: unknown.

Ambry Genetics
Classification: Pathogenic for Hereditary cancer-predisposing syndrome. Last evaluated: 2022-07-20. Review status: criteria provided, single submitter. Criteria: Ambry Variant Classification Scheme 2023. Collection method: clinical testing. Allele origin: germline.
Comment: The c.382delG pathogenic mutation, located in coding exon 4 of the ATM gene, results from a deletion of one nucleotide at nucleotide position 382, causing a translational frameshift with a predicted alternate stop codon (p.V128*). This variant is considered to be rare based on population cohorts in the Genome Aggregation Database (gnomAD). This alteration is expected to result in loss of function by premature protein truncation or nonsense-mediated mRNA decay. As such, this alteration is interpreted as a disease-causing mutation.

Literature cited by the submitters: PubMed 23807571 (cited by Labcorp Genetics (formerly Invitae), Labcorp); PubMed 25614872 (cited by Labcorp Genetics (formerly Invitae), Labcorp); PubMed 15843990 (cited by Labcorp Genetics (formerly Invitae), Labcorp); PubMed 16266405 (cited by Labcorp Genetics (formerly Invitae), Labcorp).

NM_000051.4(ATM):c.382del (p.Thr127_Val128insTer)

Gene: ATM (ATM serine/threonine kinase; plus strand). Cytogenetic location: 11q22.3.
Variant type: Deletion.
Coding change: c.382del on transcript NM_000051.4 (MANE Select); coding-DNA position 382, one base deleted (G; older notation c.382delG).
Protein change: p.Thr127_Val128insTer.
Molecular consequence: nonsense.
Genome position (GRCh38, 1-based): chr11:108,235,720, G deleted. VCF-style (leftmost placement, unchanged base first): chr11-108235719-AG-A. GRCh37 (hg19) VCF-style: chr11-108106446-AG-A.
Other names: c.382del, p.Thr127_Val128insTer (NM_001351834.2).
Identifiers: ClinVar variation 1395091 (VCV001395091.9), dbSNP rs2135122447, ClinGen allele CA2573146388.